The following is an entry in ClinVar:

ClinVar aggregate classification (germline): Uncertain significance (1 of 4 stars; one submission).

Conditions:
SDCCAG8-related disorder. Also called: SDCCAG8-related condition; SDCCAG8-Related Disorders.

Submission:

PreventionGenetics, part of Exact Sciences
Classification: Uncertain significance for SDCCAG8-related condition. Last evaluated: 2026-05-26. Review status: criteria provided, single submitter. Criteria: ACMG Guidelines, 2015. Collection method: clinical testing. Allele origin: germline.
Comment: The SDCCAG8 c.494A>C variant is predicted to result in the amino acid substitution p.Lys165Thr. To our knowledge, this variant has not been reported in the literature or in a large population database (gnomAD), indicating this variant is rare. At this time, the clinical significance of this variant is uncertain due to the absence of conclusive functional and genetic evidence.

NM_006642.5(SDCCAG8):c.494A>C (p.Lys165Thr)

Gene: SDCCAG8 (SHH signaling and ciliogenesis regulator SDCCAG8; plus strand). Cytogenetic location: 1q43.
Variant type: single nucleotide variant.
Coding change: c.494A>C on transcript NM_006642.5 (MANE Select); coding-DNA position 494, A replaced by C.
Protein change: p.Lys165Thr; replaces lysine 165 with threonine.
Molecular consequence: missense variant. On other transcripts: 5 prime UTR variant (3).
Genome position (GRCh38, 1-based): chr1:243,286,345, A>C. VCF-style: chr1-243286345-A-C. GRCh37 (hg19) VCF-style: chr1-243449647-A-C.
Other names: c.-619A>C (NM_001350246.2); c.-507A>C (NM_001350247.2); c.494A>C, p.Lys165Thr (NM_001350248.2); c.200A>C, p.Lys67Thr (NM_001350249.2); c.-880A>C (NM_001350251.2); short protein forms K165T, K67T.
Identifiers: ClinVar variation 4979335 (VCV004979335.1).
Genomic context (GRCh38, chr1:243,286,345, plus strand): 5'-GAATGAAAAATAAAATACAAGTAGTTGTGCTTGAAAACGAAGGGCTCCAGCAACAGCTAA[A>C]ATCTCAAAGACAAGAGGAGACACTGAGGGAACAAACACTTCTGGATGCATCCGTGAGCAT-3'
Protein context (NP_006633.1, residues 155-175): LENEGLQQQL[Lys165Thr]SQRQEETLRE